The following is an entry in ClinVar:

ClinVar aggregate classification (germline): Uncertain significance (1 of 4 stars; one submission).

Submission:

Labcorp Genetics (formerly Invitae), Labcorp
Classification: Uncertain significance. Last evaluated: 2023-03-31. Review status: criteria provided, single submitter. Criteria: Invitae Variant Classification Sherloc (09022015). Collection method: clinical testing. Allele origin: germline.
Comment: In summary, the available evidence is currently insufficient to determine the role of this variant in disease. Therefore, it has been classified as a Variant of Uncertain Significance. This variant has not been reported in the literature in individuals affected with DNA2-related conditions. This variant is not present in population databases (gnomAD no frequency). This sequence change creates a premature translational stop signal (p.Ser71Phefs*7) in the DNA2 gene. It is expected to result in an absent or disrupted protein product. However, the current clinical and genetic evidence is not sufficient to establish whether loss-of-function variants in DNA2 cause disease.

NM_001080449.3(DNA2):c.211dup (p.Ser71fs)

Gene: DNA2 (DNA replication helicase/nuclease 2; minus strand). Cytogenetic location: 10q21.3.
Variant type: Duplication.
Coding change: c.211dup on transcript NM_001080449.3 (MANE Select); coding-DNA position 211, one base duplicated (T; older notation c.211dupT).
Protein change: p.Ser71fs; shifts the reading frame from serine 71.
Molecular consequence: frameshift variant. On other transcripts: non-coding transcript variant (1).
Genome position (GRCh38, 1-based): chr10:68,470,027, A duplicated on the plus strand (T on the coding strand, the reverse complement: DNA2 is on the minus strand); the first of 2 consecutive A bases (chr10:68,470,027-68,470,028); duplicating either gives the same sequence. VCF-style (leftmost placement, unchanged base first): chr10-68470026-G-GA. GRCh37 (hg19) VCF-style: chr10-70229783-G-GA.
Other names: short protein forms S71fs.
Identifiers: ClinVar variation 2808454 (VCV002808454.3), dbSNP rs2494019105, ClinGen allele CA2739275718.